The following is an entry in ClinVar:

ClinVar aggregate classification (germline): Likely pathogenic. Review status: criteria provided, multiple submitters, no conflicts (2 of 4 stars). 2 submissions from 2 submitters: Likely pathogenic (2). Last evaluated 2025-08-15.

Conditions:
Galactosemia. Also called: Galactose intolerance. Identifiers: Orphanet 352, MedGen C0016952, MONDO:0018116, HP:0004919. Disease mechanism: loss of function.

Submissions (2):

Natera, Inc.
Classification: Likely pathogenic for Galactosemia. Last evaluated: 2025-08-15. Review status: criteria provided, single submitter. Criteria: Natera Variant Classification Schema (03/2026). Collection method: clinical testing. Allele origin: germline.
Comment: The c.368G>C variant in GALT is a missense variant predicted to cause substitution of arginine to proline at amino acid 123. This variant is rare in the general population with a frequency below the threshold expected for the associated phenotype(s). This variant has been observed in one or more individuals affected with the associated recessive disease, as either homozygous or compound heterozygous with a second variant (PMID: 38778342). A different variant at the same position has been determined to be Pathogenic or Likely Pathogenic. Computational prediction algorithms indicate this variant is likely to affect gene or protein function. Given the available evidence, this variant is classified as Likely Pathogenic.

Mayo Clinic Laboratories, Mayo Clinic
Classification: Likely pathogenic. Last evaluated: 2024-05-29. Review status: criteria provided, single submitter. Criteria: ACMG Guidelines, 2015. Collection method: clinical testing. Allele origin: germline. Observed: 1 variant allele.
Comment: PP3, PP4, PM1, PM2_moderate, PM5

Literature cited by the submitters: PubMed 38778342 (cited by Natera, Inc. and Mayo Clinic Laboratories, Mayo Clinic); PubMed 10408771 (cited by Mayo Clinic Laboratories, Mayo Clinic); PubMed 11261429 (cited by Mayo Clinic Laboratories, Mayo Clinic); PubMed 11397328 (cited by Mayo Clinic Laboratories, Mayo Clinic); PubMed 20008339 (cited by Mayo Clinic Laboratories, Mayo Clinic); PubMed 9222760 (cited by Mayo Clinic Laboratories, Mayo Clinic).

NM_000155.4(GALT):c.368G>C (p.Arg123Pro)

Gene: GALT (galactose-1-phosphate uridylyltransferase; plus strand). Cytogenetic location: 9p13.3.
Variant type: single nucleotide variant.
Coding change: c.368G>C on transcript NM_000155.4 (MANE Select); coding-DNA position 368, G replaced by C.
Protein change: p.Arg123Pro; replaces arginine 123 with proline.
Molecular consequence: missense variant. On other transcripts: intron variant (1).
Genome position (GRCh38, 1-based): chr9:34,647,696, G>C. VCF-style: chr9-34647696-G-C. GRCh37 (hg19) VCF-style: chr9-34647693-G-C.
Other names: p.Arg123Pro; c.368G>C (NM_000155.3); c.51-136G>C (NM_001258332.2); short protein forms R123P.
Identifiers: ClinVar variation 3381050 (VCV003381050.2).